The following is an entry in ClinVar:

NM_004519.4(KCNQ3):c.*1754C>T

Gene: KCNQ3 (potassium voltage-gated channel subfamily Q member 3; minus strand). Cytogenetic location: 8q24.22.
Variant type: single nucleotide variant.
Coding change: c.*1754C>T on transcript NM_004519.4 (MANE Select); 1754 bases downstream of the stop codon, C replaced by T.
Molecular consequence: 3 prime UTR variant.
Genome position (GRCh38, 1-based): chr8:132,127,508, G>A on the plus strand (C>T on the coding strand, the complement: KCNQ3 is on the minus strand). VCF-style: chr8-132127508-G-A. GRCh37 (hg19) VCF-style: chr8-133139755-G-A.
Other names: c.*1754C>T (NM_001204824.2).
Identifiers: ClinVar variation 361846 (VCV000361846.7), dbSNP rs977939, ClinGen allele CA10630233.

ClinVar aggregate classification (germline): Benign. Review status: criteria provided, multiple submitters, no conflicts (2 of 4 stars). 2 submissions from 2 submitters: Benign (2). Last evaluated 2018-01-13.

Conditions:
Seizures, benign familial neonatal, 2. Also called: CONVULSIONS, BENIGN FAMILIAL NEONATAL, 2; KCNQ3-Related Self-Limited Familial Neonatal Epilepsy (SLFNE); Benign Neonatal Epilepsy 2; KCNQ3-Related Benign Familial Neonatal Epilepsy; Seizures, benign neonatal, 2. Identifiers: Orphanet 1949, MedGen C1852581, MONDO:0007366, OMIM 121201.

Allele frequency attached by ClinVar (database versions not stated): TOPMed 0.34752; gnomAD 0.36430 and 0.36854; 1000 Genomes Project 30x 0.26952; 1000 Genomes Project 0.26857.

Submissions (2):

Illumina Laboratory Services, Illumina
Classification: Benign for Seizures, benign familial neonatal, 2. Last evaluated: 2018-01-13. Review status: criteria provided, single submitter. Criteria: ICSL Variant Classification Criteria 13 December 2019. Collection method: clinical testing. Allele origin: germline.
Comment: This variant was observed in the ICSL laboratory as part of a predisposition screen in an ostensibly healthy population. It had not been previously curated by ICSL or reported in the Human Gene Mutation Database (HGMD: prior to June 1st, 2018), and was therefore a candidate for classification through an automated scoring system. Utilizing variant allele frequency, disease prevalence and penetrance estimates, and inheritance mode, an automated score was calculated to assess if this variant is too frequent to cause the disease. Based on the score and internal cut-off values, a variant classified as benign is not then subjected to further curation. The score for this variant resulted in a classification of benign for this disease.

Breakthrough Genomics
Classification: Benign. Review status: criteria provided, single submitter. Criteria: ACMG Guidelines, 2015. Collection method: not provided. Allele origin: germline. Inheritance: Autosomal dominant inheritance. Affected: yes.